The following is an entry in ClinVar:

ClinVar aggregate classification (germline): Pathogenic. Review status: criteria provided, single submitter (1 of 4 stars). 2 submissions from 2 submitters: Pathogenic (1). 1 of the submissions does not count toward it. Last evaluated 2020-01-16.

Conditions:
Familial long QT syndrome (RWS). Also called: Congenital long QT syndrome; VENTRICULAR FIBRILLATION WITH PROLONGED QT INTERVAL; Romano-Ward syndrome. Identifiers: Orphanet 768, MedGen C1141890, MONDO:0019171.
Long QT syndrome (LQTS). Identifiers: MedGen C0023976, MeSH D008133, MONDO:0002442. Disease mechanism: loss of function. Inheritance: Various modes of inheritance.

Allele frequency attached by ClinVar (database versions not stated): gnomAD exomes below 0.00001.

Submissions (3):

Labcorp Genetics (formerly Invitae), Labcorp
Classification: Pathogenic for Long QT syndrome. Last evaluated: 2020-01-16. Review status: criteria provided, single submitter. Criteria: Invitae Variant Classification Sherloc (09022015). Collection method: clinical testing. Allele origin: germline.
Comment: This sequence change replaces glycine with arginine at codon 52 of the KCNE1 protein (p.Gly52Arg). The glycine residue is highly conserved and there is a moderate physicochemical difference between glycine and arginine. This variant is not present in population databases (ExAC no frequency). This variant has been observed in individual(s) with long QT syndrome (PMID: 14499862). It has also been observed to segregate with disease in related individuals. ClinVar contains an entry for this variant (Variation ID: 132654). This variant has been reported to affect KCNE1 protein function (PMID: 14499862, 27076034, 19907016). For these reasons, this variant has been classified as Pathogenic.

Cardiovascular Biomedical Research Unit, Royal Brompton & Harefield NHS Foundation Trust
No classification provided. Condition: Familial long QT syndrome. Review status: no classification provided. Collection method: literature only. Allele origin: germline. Not counted in ClinVar's aggregate classification.
Comment: This variant has been reported as associated with Long QT syndrome in the following publications (PMID:14499862;PMID:19907016). This is a literature report, and does not necessarily reflect the clinical interpretation of the Imperial College / Royal Brompton Cardiovascular Genetics laboratory.

Roden Lab, Vanderbilt University Medical Center
No classification provided (evidence only). Condition: Long QT syndrome 5. Review status: no classification provided. Collection method: in vitro. Allele origin: not applicable. Functional consequence: Effect on ion channel function. Not counted in ClinVar's aggregate classification.
ClinVar note: "not provided" was previously submitted as the classification for the variant. However, the classification appeared to be based only on an observation of functional data so it was converted to no classification on 2025-07-30.

Literature cited by the submitters: PubMed 14499862 (cited by Labcorp Genetics (formerly Invitae), Labcorp and Cardiovascular Biomedical Research Unit, Royal Brompton & Harefield NHS Foundation Trust); PubMed 27076034 (cited by Labcorp Genetics (formerly Invitae), Labcorp); PubMed 19907016 (cited by Labcorp Genetics (formerly Invitae), Labcorp and Cardiovascular Biomedical Research Unit, Royal Brompton & Harefield NHS Foundation Trust); PubMed 22581653 (cited by Cardiovascular Biomedical Research Unit, Royal Brompton & Harefield NHS Foundation Trust).

NM_000219.6(KCNE1):c.154G>A (p.Gly52Arg)

Gene: KCNE1 (potassium voltage-gated channel subfamily E regulatory subunit 1; minus strand). Cytogenetic location: 21q22.12.
Variant type: single nucleotide variant.
Coding change: c.154G>A on transcript NM_000219.6 (MANE Select); coding-DNA position 154, G replaced by A.
Protein change: p.Gly52Arg; replaces glycine 52 with arginine.
Molecular consequence: missense variant.
Genome position (GRCh38, 1-based): chr21:34,449,481, C>T on the plus strand (G>A on the coding strand, the complement: KCNE1 is on the minus strand). VCF-style: chr21-34449481-C-T. GRCh37 (hg19) VCF-style: chr21-35821779-C-T.
Other names: c.154G>A (LRG_290t1); c.154G>A, p.Gly52Arg (NM_001127668.4, NM_001127669.4, NM_001127670.4 and 4 more transcripts); short protein forms G52R.
Identifiers: ClinVar variation 132654 (VCV000132654.9), dbSNP rs199473354, ClinGen allele CA331920.